The following is an entry in ClinVar:

ClinVar aggregate classification (germline): Pathogenic/Likely pathogenic. Review status: criteria provided, multiple submitters, no conflicts (2 of 4 stars). 2 submissions from 2 submitters: Pathogenic (1); Likely pathogenic (1). Last evaluated 2017-04-04.

Conditions:
Inborn genetic diseases. Identifiers: MedGen C0950123, MeSH D030342.
Intellectual developmental disorder, autosomal dominant 6, with or without seizures. Also called: Intellectual disability, autosomal dominant 6; GRIN2B-related developmental delay, intellectual disability and autism spectrum disorder. Identifiers: Orphanet 589547, MedGen C3151411, MONDO:0013509, OMIM 613970.

Submissions (2):

Institute of Human Genetics, University of Leipzig Medical Center
Classification: Likely pathogenic for Intellectual developmental disorder, autosomal dominant 6, with or without seizures. Last evaluated: 2017-04-04. Review status: criteria provided, single submitter. Criteria: ACMG Guidelines, 2015. Collection method: clinical testing. Allele origin: de novo. Affected: yes.
Comment: This variant was identified as de novo (maternity and paternity confirmed).

Ambry Genetics
Classification: Pathogenic for Inborn genetic diseases. Last evaluated: 2014-06-06. Review status: criteria provided, single submitter. Criteria: Ambry exome assertion method (8-5-2015). Collection method: clinical testing. Allele origin: germline. Affected: yes. Observed: 1 variant allele.

Literature cited by the submitters: PubMed 28377535 (cited by Institute of Human Genetics, University of Leipzig Medical Center).

NM_000834.5(GRIN2B):c.1916C>T (p.Ala639Val)

Gene: GRIN2B (glutamate ionotropic receptor NMDA type subunit 2B; minus strand). Cytogenetic location: 12p13.1.
Variant type: single nucleotide variant.
Coding change: c.1916C>T on transcript NM_000834.5 (MANE Select); coding-DNA position 1916, C replaced by T.
Protein change: p.Ala639Val; replaces alanine 639 with valine.
Molecular consequence: missense variant.
Genome position (GRCh38, 1-based): chr12:13,608,697, G>A on the plus strand (C>T on the coding strand, the complement: GRIN2B is on the minus strand). VCF-style: chr12-13608697-G-A. GRCh37 (hg19) VCF-style: chr12-13761631-G-A.
Other names: short protein forms A639V.
Identifiers: ClinVar variation 208749 (VCV000208749.5), dbSNP rs797044930, ClinGen allele CA204816.